The following is an entry in ClinVar:

ClinVar aggregate classification (germline): Pathogenic (1 of 4 stars; one submission).

Submission:

GeneDx
Classification: Pathogenic. Last evaluated: 2018-12-06. Review status: criteria provided, single submitter. Criteria: GeneDx Variant Classification (06012015). Collection method: clinical testing. Allele origin: germline. Affected: yes.
Comment: The c.6351delGinsAT pathogenic variant in the COL7A1 gene has not been reported previously as a pathogenic variant, nor as a benign variant, to our knowledge. The c.6351delGinsAT variant changes codon Glutamic acid 2118 to a stop codon, denoted p.Glu2118Ter. This variant is predicted to cause loss of normal protein function either through protein truncation or nonsense-mediated mRNA decay. The c.6351delGinsAT variant is not observed in large population cohorts (Lek et al., 2016). We interpret c.6351delGinsAT as a pathogenic variant.

NM_000094.4(COL7A1):c.6351delinsAT (p.Gly2117_Glu2118insTer)

Gene: COL7A1 (collagen type VII alpha 1 chain; minus strand). Cytogenetic location: 3p21.31.
Variant type: Indel.
Coding change: c.6351delinsAT on transcript NM_000094.4 (MANE Select); coding-DNA position 6351, G replaced by AT.
Protein change: p.Gly2117_Glu2118insTer.
Molecular consequence: frameshift variant.
Genome position (GRCh38, 1-based): chr3:48,574,719, C replaced by AT on the plus strand (G replaced by AT on the coding strand, the reverse complement: COL7A1 is on the minus strand). VCF-style: chr3-48574719-C-AT. GRCh37 (hg19) VCF-style: chr3-48612152-C-AT.
Identifiers: ClinVar variation 817015 (VCV000817015.1), dbSNP rs1575437481, ClinGen allele CA915942482.
Genomic context (GRCh38, chr3:48,574,719, plus strand): 5'-GGTGGAGAGAGGCCTCACCCTGTCTCCTTTGGGACCTTGGTCACCATTGCTGCCCGGCTC[C>AT]CCCTGTGGGGATGAGATGTCAAGTCAGTCCCTAGTGCCATGGCAGAGGGTGGCCCCGAGC-3'